The following is an entry in ClinVar:

NM_152564.5(VPS13B):c.5326G>T (p.Val1776Phe)

Gene: VPS13B (vacuolar protein sorting 13 homolog B; plus strand). Cytogenetic location: 8q22.2.
Variant type: single nucleotide variant.
Coding change: c.5326G>T on transcript NM_152564.5 (MANE Select); coding-DNA position 5326, G replaced by T.
Protein change: p.Val1776Phe; replaces valine 1776 with phenylalanine.
Molecular consequence: missense variant.
Genome position (GRCh38, 1-based): chr8:99,641,916, G>T. VCF-style: chr8-99641916-G-T. GRCh37 (hg19) VCF-style: chr8-100654144-G-T.
Other names: c.5401G>T, p.Val1801Phe (NM_017890.5); c.5326G>T (NM_152564.4); short protein forms V1776F, V1801F.
Identifiers: ClinVar variation 520921 (VCV000520921.14), dbSNP rs547179338, ClinGen allele CA4823807.

ClinVar aggregate classification (germline): Uncertain significance. Review status: criteria provided, multiple submitters, no conflicts (2 of 4 stars). 6 submissions from 6 submitters: Uncertain significance (5). 1 of the submissions does not count toward it. Last evaluated 2026-02-10.

Conditions:
Inborn genetic diseases. Identifiers: MedGen C0950123, MeSH D030342.
Cohen syndrome (COH1). Also called: PEPPER SYNDROME; Cutis verticis gyrata, retinitis pigmentosa, and sensorineural deafness. Identifiers: Orphanet 193, MedGen C0265223, MONDO:0008999, OMIM 216550.
VPS13B-related disorder. Also called: VPS13B-related condition.

Allele frequency attached by ClinVar (database versions not stated): gnomAD below 0.00001 and 0.00001; TOPMed below 0.00001; gnomAD exomes 0.00006 and 0.00007; ExAC 0.00008.
gnomAD v4.1: 93 of 1,614,112 alleles (0.0058%); highest among the groups gnomAD compares: South Asian, 0.085%; no homozygotes.

Submissions (6):

PreventionGenetics, part of Exact Sciences
Classification: Uncertain significance for VPS13B-related condition. Last evaluated: 2026-02-10. Review status: criteria provided, single submitter. Criteria: ACMG Guidelines, 2015. Collection method: clinical testing. Allele origin: germline.
Comment: The VPS13B c.5326G>T variant is predicted to result in the amino acid substitution p.Val1776Phe. To our knowledge, this variant has not been reported in the literature. This variant is reported in 0.049% of alleles in individuals of South Asian descent in gnomAD. At this time, the clinical significance of this variant is uncertain due to the absence of conclusive functional and genetic evidence.

Blueprint Genetics
Classification: Uncertain significance. Last evaluated: 2024-09-23. Review status: criteria provided, single submitter. Criteria: ACMG Guidelines, 2015. Collection method: clinical testing. Allele origin: germline.

Labcorp Genetics (formerly Invitae), Labcorp
Classification: Uncertain significance for Cohen syndrome. Last evaluated: 2022-10-31. Review status: criteria provided, single submitter. Criteria: Invitae Variant Classification Sherloc (09022015). Collection method: clinical testing. Allele origin: germline.
Comment: This sequence change replaces valine, which is neutral and non-polar, with phenylalanine, which is neutral and non-polar, at codon 1801 of the VPS13B protein (p.Val1801Phe). This variant is present in population databases (rs547179338, gnomAD 0.05%). This variant has not been reported in the literature in individuals affected with VPS13B-related conditions. ClinVar contains an entry for this variant (Variation ID: 520921). Advanced modeling of protein sequence and biophysical properties (such as structural, functional, and spatial information, amino acid conservation, physicochemical variation, residue mobility, and thermodynamic stability) performed at Invitae indicates that this missense variant is not expected to disrupt VPS13B protein function. In summary, the available evidence is currently insufficient to determine the role of this variant in disease. Therefore, it has been classified as a Variant of Uncertain Significance.

Ambry Genetics
Classification: Uncertain significance for Inborn genetic diseases. Last evaluated: 2021-10-29. Review status: criteria provided, single submitter. Criteria: Ambry Variant Classification Scheme 2023. Collection method: clinical testing. Allele origin: germline.
Comment: The c.5401G>T (p.V1801F) alteration is located in exon 34 (coding exon 33) of the VPS13B gene. This alteration results from a G to T substitution at nucleotide position 5401, causing the valine (V) at amino acid position 1801 to be replaced by a phenylalanine (F). The heterozygous missense change is ultra rare in healthy individuals:_x000D_ Based on data from the NHLBI Exome Sequencing Project (ESP), the VPS13B c.5401G>T alteration was not observed among 6,503 individuals tested. The alteration was observed in 10 out of 121,130 total alleles studied in ExAC (0.008%), with an allele frequency of 0.05% in the South Asian population. Allele frequency data for this nucleotide position are not currently available from the 1000 Genomes Project. This alteration is listed in the Database of Single Nucleotide Polymorphisms (dbSNP) rs547179338. Rare missense alleles commonly exhibit a deleterious effect on protein function (Kryukov, 2007; Tennessen, 2012; please note that some variants may appear to be rare due to ethnic underrepresentation in the database). _x000D_ IF USED, PULL THESE INTO REFERENCES:_x000D_ Kryukov GV, et al. (2007) Am J Hum Genet 80:727-739. Tennessen JA, et al. (2012) Science 337(64):64-69. The altered amino acid is conserved throughout evolution:_x000D_ The p.V1801 amino acid is highly conserved in available vertebrate species. In silico prediction is conflicting:_x000D_ The p.V1801F alteration is predicted to be possibly damaging by Polyphen and tolerated by SIFT in silico analyses. Based on insufficient or conflicting evidence, the clinical significance of this alteration remains unclear.

Genome-Nilou Lab
Classification: Uncertain significance for Cohen syndrome. Last evaluated: 2021-07-22. Review status: criteria provided, single submitter. Criteria: ACMG Guidelines, 2015. Collection method: clinical testing. Allele origin: germline. Affected: no.

Natera, Inc.
Classification: Uncertain significance for Cohen syndrome. Last evaluated: 2019-11-11. Review status: no assertion criteria provided. Collection method: clinical testing. Allele origin: germline. Not counted in ClinVar's aggregate classification.